The following is an entry in ClinVar:

NM_006070.6(TFG):c.688A>G (p.Thr230Ala)

Gene: TFG (trafficking from ER to golgi regulator; plus strand). Cytogenetic location: 3q12.2.
Variant type: single nucleotide variant.
Coding change: c.688A>G on transcript NM_006070.6 (MANE Select); coding-DNA position 688, A replaced by G.
Protein change: p.Thr230Ala; replaces threonine 230 with alanine.
Molecular consequence: missense variant.
Genome position (GRCh38, 1-based): chr3:100,736,683, A>G. VCF-style: chr3-100736683-A-G. GRCh37 (hg19) VCF-style: chr3-100455527-A-G.
Other names: c.688A>G, p.Thr230Ala (NM_001007565.2, NM_001195478.2, NM_001195479.2); short protein forms T230A.
Identifiers: ClinVar variation 3761997 (VCV003761997.2).

ClinVar aggregate classification (germline): Uncertain significance (1 of 4 stars; one submission).

Conditions:
Hereditary motor and sensory neuropathy, Okinawa type (HMSNO). Also called: HEREDITARY MOTOR AND SENSORY NEUROPATHY, PROXIMAL TYPE. Identifiers: Orphanet 90117, MedGen C1858338, MONDO:0011468, OMIM 604484.
Hereditary spastic paraplegia 57. Also called: Spastic paraplegia 57, autosomal recessive. Identifiers: Orphanet 431329, MedGen C3714897, MONDO:0014295, OMIM 615658.

gnomAD v4.1: 32 of 1,614,004 alleles (0.002%); highest among the groups gnomAD compares: Non-Finnish European, 0.0027%; no homozygotes.

Submission:

Labcorp Genetics (formerly Invitae), Labcorp
Classification: Uncertain significance for Hereditary motor and sensory neuropathy, Okinawa type; Hereditary spastic paraplegia 57. Last evaluated: 2025-11-06. Review status: criteria provided, single submitter. Criteria: Invitae Variant Classification Sherloc (09022015). Collection method: clinical testing. Allele origin: germline.
Comment: This sequence change replaces threonine, which is neutral and polar, with alanine, which is neutral and non-polar, at codon 230 of the TFG protein (p.Thr230Ala). This variant is present in population databases (rs771795676, gnomAD 0.003%). This variant has not been reported in the literature in individuals affected with TFG-related conditions. ClinVar contains an entry for this variant (Variation ID: 3761997). Invitae Evidence Modeling of protein sequence and biophysical properties (such as structural, functional, and spatial information, amino acid conservation, physicochemical variation, residue mobility, and thermodynamic stability) indicates that this missense variant is not expected to disrupt TFG protein function with a negative predictive value of 80%. In summary, the available evidence is currently insufficient to determine the role of this variant in disease. Therefore, it has been classified as a Variant of Uncertain Significance.